The following is an entry in ClinVar:

ClinVar aggregate classification (germline): Uncertain significance. Review status: criteria provided, multiple submitters, no conflicts (2 of 4 stars). 2 submissions from 2 submitters: Uncertain significance (2). Last evaluated 2025-10-11.

Conditions:
Hereditary cancer-predisposing syndrome. Also called: Hereditary Cancer Syndrome; Hereditary neoplastic syndrome; Neoplastic Syndromes, Hereditary; Tumor predisposition. Identifiers: Orphanet 140162, MedGen C0027672, MeSH D009386, MONDO:0015356.
Familial cancer of breast. Also called: Hereditary breast cancer; BREAST CANCER, FAMILIAL; hereditary breast carcinoma. Identifiers: Orphanet 227535, MedGen C0346153, MONDO:0016419, OMIM 114480. Disease mechanism: loss of function.

Submissions (2):

Labcorp Genetics (formerly Invitae), Labcorp
Classification: Uncertain significance for Familial cancer of breast. Last evaluated: 2025-10-11. Review status: criteria provided, single submitter. Criteria: Invitae Variant Classification Sherloc (09022015). Collection method: clinical testing. Allele origin: germline.
Comment: This sequence change replaces proline, which is neutral and non-polar, with threonine, which is neutral and polar, at codon 426 of the CHEK2 protein (p.Pro426Thr). This variant is not present in population databases (gnomAD no frequency). This variant has not been reported in the literature in individuals affected with CHEK2-related conditions. An algorithm developed to predict the effect of missense changes on protein structure and function (PolyPhen-2) suggests that this variant is likely to be disruptive. In summary, the available evidence is currently insufficient to determine the role of this variant in disease. Therefore, it has been classified as a Variant of Uncertain Significance.

Ambry Genetics
Classification: Uncertain significance for Hereditary cancer-predisposing syndrome. Last evaluated: 2025-09-12. Review status: criteria provided, single submitter. Criteria: Ambry Variant Classification Scheme 2023. Collection method: clinical testing. Allele origin: germline.
Comment: The p.P426T variant (also known as c.1276C>A), located in coding exon 11 of the CHEK2 gene, results from a C to A substitution at nucleotide position 1276. The proline at codon 426 is replaced by threonine, an amino acid with highly similar properties. This amino acid position is conserved. In addition, this alteration is predicted to be deleterious by in silico analysis. Based on the available evidence, the clinical significance of this variant remains unclear.

NM_007194.4(CHEK2):c.1276C>A (p.Pro426Thr)

Gene: CHEK2 (checkpoint kinase 2; minus strand). Cytogenetic location: 22q12.1.
Variant type: single nucleotide variant.
Coding change: c.1276C>A on transcript NM_007194.4 (MANE Select); coding-DNA position 1276, C replaced by A.
Protein change: p.Pro426Thr; replaces proline 426 with threonine.
Molecular consequence: missense variant.
Genome position (GRCh38, 1-based): chr22:28,695,226, G>T on the plus strand (C>A on the coding strand, the complement: CHEK2 is on the minus strand). VCF-style: chr22-28695226-G-T. GRCh37 (hg19) VCF-style: chr22-29091214-G-T.
Other names: c.1405C>A, p.Pro469Thr (NM_001005735.3); c.613C>A, p.Pro205Thr (NM_001257387.3, NM_001437942.1); c.1075C>A, p.Pro359Thr (NM_001349956.3); c.1369C>A, p.Pro457Thr (NM_001438293.1); c.1318C>A, p.Pro440Thr (NM_001438294.1); c.1282C>A, p.Pro428Thr (NM_001438295.1); c.1189C>A, p.Pro397Thr (NM_145862.3); short protein forms P426T, P440T, P457T, P469T, P359T, P205T, P397T, P428T.
Identifiers: ClinVar variation 4228018 (VCV004228018.2).
Genomic context (GRCh38, chr22:28,695,226, plus strand): 5'-TGTATTTTCCACTGGTGATCTGATCCTTCAGTGACACTTGAGTCCTATGCTCAGAGAAAG[G>T]TGGATACCCACTAAGGCTTAATATTGGTAGAGAGAGAAAGGAAAAGAAATCAAGTGGCAT-3'
Protein context (NP_009125.1, residues 416-436): ILFICLSGYP[Pro426Thr]FSEHRTQVSL